The following is an entry in ClinVar:

ClinVar aggregate classification (germline): Benign/Likely benign. Review status: criteria provided, multiple submitters, no conflicts (2 of 4 stars). 3 submissions from 3 submitters: Benign (1); Likely benign (2). Last evaluated 2020-02-08.

Conditions:
Episodic ataxia type 1 (EA1). Also called: ATAXIA, EPISODIC, WITH MYOKYMIA; MYOKYMIA WITH PERIODIC ATAXIA; PAROXYSMAL ATAXIA WITH NEUROMYOTONIA, HEREDITARY; Episodic ataxia/myokymia syndrome. Identifiers: Orphanet 37612, Orphanet 972, MedGen C1719788, MONDO:0008047, OMIM 160120.

Allele frequency attached by ClinVar (database versions not stated): TOPMed 0.00853; gnomAD 0.00937 and 0.00959; 1000 Genomes Project 0.01538; 1000 Genomes Project 30x 0.01640.
gnomAD v4.1: 3,950 of 561,020 alleles (0.7%); highest among the groups gnomAD compares: Admixed American, 7.7%; 113 homozygotes.

Submissions (3):

GeneDx
Classification: Likely benign. Last evaluated: 2020-02-08. Review status: criteria provided, single submitter. Criteria: GeneDx Variant Classification Process June 2021. Collection method: clinical testing. Allele origin: germline. Affected: yes.

Illumina Laboratory Services, Illumina
Classification: Benign for Episodic ataxia type 1. Last evaluated: 2018-01-12. Review status: criteria provided, single submitter. Criteria: ICSL Variant Classification Criteria 13 December 2019. Collection method: clinical testing. Allele origin: germline.
Comment: This variant was observed in the ICSL laboratory as part of a predisposition screen in an ostensibly healthy population. It had not been previously curated by ICSL or reported in the Human Gene Mutation Database (HGMD: prior to June 1st, 2018), and was therefore a candidate for classification through an automated scoring system. Utilizing variant allele frequency, disease prevalence and penetrance estimates, and inheritance mode, an automated score was calculated to assess if this variant is too frequent to cause the disease. Based on the score and internal cut-off values, a variant classified as benign is not then subjected to further curation. The score for this variant resulted in a classification of benign for this disease.

Breakthrough Genomics
Classification: Likely benign. Review status: criteria provided, single submitter. Criteria: ACMG Guidelines, 2015. Collection method: not provided. Allele origin: germline. Inheritance: Autosomal dominant inheritance. Affected: yes.

NM_000217.3(KCNA1):c.*228A>C

Gene: KCNA1 (potassium voltage-gated channel subfamily A member 1; plus strand). Cytogenetic location: 12p13.32.
Variant type: single nucleotide variant.
Coding change: c.*228A>C on transcript NM_000217.3 (MANE Select); 228 bases downstream of the stop codon, A replaced by C.
Molecular consequence: 3 prime UTR variant.
Genome position (GRCh38, 1-based): chr12:4,913,094, A>C. VCF-style: chr12-4913094-A-C. GRCh37 (hg19) VCF-style: chr12-5022260-A-C.
Identifiers: ClinVar variation 309152 (VCV000309152.9), dbSNP rs142908193, ClinGen allele CA10637687.